The following is an entry in ClinVar:

NM_000203.5(IDUA):c.343G>A (p.Asp115Asn)

Gene: IDUA (alpha-L-iduronidase; plus strand). Cytogenetic location: 4p16.3.
Variant type: single nucleotide variant.
Coding change: c.343G>A on transcript NM_000203.5 (MANE Select); coding-DNA position 343, G replaced by A.
Protein change: p.Asp115Asn; replaces aspartic acid 115 with asparagine.
Molecular consequence: missense variant. On other transcripts: 5 prime UTR variant (1), non-coding transcript variant (1).
Genome position (GRCh38, 1-based): chr4:1,000,655, G>A. VCF-style: chr4-1000655-G-A. GRCh37 (hg19) VCF-style: chr4-994443-G-A.
Other names: NM_001363576.1:c.-54G>A; c.-54G>A (NM_001363576.1); short protein forms D115N.
Identifiers: ClinVar variation 4539824 (VCV004539824.1).

ClinVar aggregate classification (germline): Uncertain significance (3 of 4 stars; one submission).

Conditions:
Mucopolysaccharidosis type 1. Also called: IDUA deficiency; MPS I. Identifiers: Orphanet 579, MedGen C0023786, MONDO:0001586.

Submission:

ClinGen Lysosomal Storage Disorder Variant Curation Expert Panel
Classification: Uncertain significance for Mucopolysaccharidosis type 1. Last evaluated: 2025-10-06. Review status: reviewed by expert panel. Criteria: ClinGen LSD ACMG Specifications IDUA V1.1.0. Collection method: curation. Allele origin: germline. Inheritance: Autosomal recessive inheritance.
Comment: The NM_000203.5:c.343G>A variant in IDUA is a missense variant predicted to cause substitution of aspartate by asparagine at amino acid 115 (p.Asp115Asn). An infant was identified on newborn screening with the variant and has reduced enzyme activity but normal GAGs all within range (PMID: 29801497) Insufficient evidence to apply PP4. This infant is compound heterozygous for the variant and another variant in IDUA that has been classified as pathogenic by the ClinGen LD VCEP, c.2T>C (p.M1?) (ClinVarID: 639529) (PMID: 29801497, phase unconfirmed). Since disease status is unknown in this infant, PM3 is not met. This variant is absent in gnomAD v4.1.0. (PM2_Supporting). The computational predictor REVEL gives a score of 0.764 which is in the range 0.644-0.773, evidence that correlates with impact to IDUA function at the supporting level (PMID: 36413997) (PP3). SpliceAI predicts that the variant has no impact on splicing (all scores <0.1). In summary, this variant meets the criteria to be classified as a variant of uncertain significance (VUS) for MPS I. IDUA-specific ACMG/AMP criteria applied, as specified by the ClinGen Lysosomal Diseases Variant Curation Expert Panel (Specifications Version 1.1.0): PM2_supporting, PP3_met (Classification approved by the ClinGen Lysosomal Storage Diseases Variant Curation Expert Panel on October 6, 2025)